The following is an entry in ClinVar:

NM_006087.4(TUBB4A):c.460A>G (p.Lys154Glu)

Gene: TUBB4A (tubulin beta 4A class IVa; minus strand). Cytogenetic location: 19p13.3.
Variant type: single nucleotide variant.
Coding change: c.460A>G on transcript NM_006087.4 (MANE Select); coding-DNA position 460, A replaced by G.
Protein change: p.Lys154Glu; replaces lysine 154 with glutamic acid.
Molecular consequence: missense variant.
Genome position (GRCh38, 1-based): chr19:6,496,039, T>C on the plus strand (A>G on the coding strand, the complement: TUBB4A is on the minus strand). VCF-style: chr19-6496039-T-C. GRCh37 (hg19) VCF-style: chr19-6496050-T-C.
Other names: c.613A>G, p.Lys205Glu (NM_001289123.2); c.595A>G, p.Lys199Glu (NM_001289127.2); c.460A>G, p.Lys154Glu (NM_001289129.2); c.244A>G, p.Lys82Glu (NM_001289130.2, NM_001289131.2); short protein forms K154E, K199E, K205E, K82E.
Identifiers: ClinVar variation 3902877 (VCV003902877.1).

ClinVar aggregate classification (germline): Uncertain significance (1 of 4 stars; one submission).

Submission:

GeneDx
Classification: Uncertain significance. Last evaluated: 2024-12-11. Review status: criteria provided, single submitter. Criteria: GeneDx Variant Classification Process June 2021. Collection method: clinical testing. Allele origin: germline. Affected: yes.
Comment: Not observed at significant frequency in large population cohorts (gnomAD); In silico analysis supports that this missense variant has a deleterious effect on protein structure/function; Has not been previously published as pathogenic or benign to our knowledge